The following is an entry in ClinVar:

NM_001144967.3(NEDD4L):c.2161G>T (p.Val721Leu)

Gene: NEDD4L (NEDD4 like E3 ubiquitin protein ligase; plus strand). Cytogenetic location: 18q21.31.
Variant type: single nucleotide variant.
Coding change: c.2161G>T on transcript NM_001144967.3 (MANE Select); coding-DNA position 2161, G replaced by T.
Protein change: p.Val721Leu; replaces valine 721 with leucine.
Molecular consequence: missense variant.
Genome position (GRCh38, 1-based): chr18:58,367,843, G>T. VCF-style: chr18-58367843-G-T. GRCh37 (hg19) VCF-style: chr18-56035075-G-T.
Other names: c.1798G>T, p.Val600Leu (NM_001144964.1, NM_001144965.2, NM_001144966.3); c.2137G>T, p.Val713Leu (NM_001144968.2); c.2077G>T, p.Val693Leu (NM_001144969.2); c.1738G>T, p.Val580Leu (NM_001144970.3, NM_001144971.2); c.1969G>T, p.Val657Leu (NM_001243960.2); c.2101G>T, p.Val701Leu (NM_015277.6); short protein forms V580L, V600L, V657L, V693L, V701L, V713L, V721L.
Identifiers: ClinVar variation 3383862 (VCV003383862.1).

ClinVar aggregate classification (germline): Uncertain significance (1 of 4 stars; one submission).

Submission:

GeneDx
Classification: Uncertain significance. Last evaluated: 2024-05-30. Review status: criteria provided, single submitter. Criteria: GeneDx Variant Classification Process June 2021. Collection method: clinical testing. Allele origin: germline. Affected: yes.
Comment: Not observed at significant frequency in large population cohorts (gnomAD); In silico analysis supports that this missense variant has a deleterious effect on protein structure/function; Has not been previously published as pathogenic or benign to our knowledge